The following is an entry in ClinVar:

ClinVar aggregate classification (germline): Uncertain significance. Review status: criteria provided, multiple submitters, no conflicts (2 of 4 stars). 2 submissions from 2 submitters: Uncertain significance (2). Last evaluated 2025-07-31.

Conditions:
Hereditary cancer-predisposing syndrome. Also called: Hereditary neoplastic syndrome; Neoplastic Syndromes, Hereditary; Hereditary Cancer Syndrome; Tumor predisposition. Identifiers: Orphanet 140162, MedGen C0027672, MeSH D009386, MONDO:0015356.
Gastrointestinal stromal tumor. Also called: Gastrointestinal stromal tumor, somatic; Gastrointestinal stroma tumor. Identifiers: Orphanet 44890, MedGen C0238198, MeSH D046152, MONDO:0011719, OMIM 606764, HP:0100723.

Submissions (2):

Labcorp Genetics (formerly Invitae), Labcorp
Classification: Uncertain significance for Gastrointestinal stromal tumor. Last evaluated: 2025-07-31. Review status: criteria provided, single submitter. Criteria: Invitae Variant Classification Sherloc (09022015). Collection method: clinical testing. Allele origin: germline.
Comment: This sequence change replaces valine, which is neutral and non-polar, with glycine, which is neutral and non-polar, at codon 459 of the KIT protein (p.Val459Gly). This variant is not present in population databases (gnomAD no frequency). This variant has not been reported in the literature in individuals affected with KIT-related conditions. ClinVar contains an entry for this variant (Variation ID: 933278). An algorithm developed to predict the effect of missense changes on protein structure and function (PolyPhen-2) suggests that this variant is likely to be disruptive. In summary, the available evidence is currently insufficient to determine the role of this variant in disease. Therefore, it has been classified as a Variant of Uncertain Significance.

Ambry Genetics
Classification: Uncertain significance for Hereditary cancer-predisposing syndrome. Last evaluated: 2024-02-26. Review status: criteria provided, single submitter. Criteria: Ambry Variant Classification Scheme 2023. Collection method: clinical testing. Allele origin: germline.
Comment: The p.V459G variant (also known as c.1376T>G), located in coding exon 9 of the KIT gene, results from a T to G substitution at nucleotide position 1376. The valine at codon 459 is replaced by glycine, an amino acid with dissimilar properties. This amino acid position is conserved. In addition, the in silico prediction for this alteration is inconclusive. Based on the available evidence, the clinical significance of this alteration remains unclear.

NM_000222.3(KIT):c.1376T>G (p.Val459Gly)

Gene: KIT (KIT proto-oncogene, receptor tyrosine kinase; plus strand). Cytogenetic location: 4q12.
Variant type: single nucleotide variant.
Coding change: c.1376T>G on transcript NM_000222.3 (MANE Select); coding-DNA position 1376, T replaced by G.
Protein change: p.Val459Gly; replaces valine 459 with glycine.
Molecular consequence: missense variant.
Genome position (GRCh38, 1-based): chr4:54,725,886, T>G. VCF-style: chr4-54725886-T-G. GRCh37 (hg19) VCF-style: chr4-55592052-T-G.
Other names: c.1376T>G, p.Val459Gly (NM_001093772.2, NM_001385285.1, NM_001385286.1); c.1379T>G, p.Val460Gly (NM_001385284.1, NM_001385288.1, NM_001385290.1 and 1 more transcripts); short protein forms V459G, V460G.
Identifiers: ClinVar variation 933278 (VCV000933278.11), dbSNP rs1722185671, ClinGen allele CA356906269.